The following is an entry in ClinVar:

ClinVar aggregate classification (germline): Uncertain significance (1 of 4 stars; one submission).

Conditions:
FG syndrome (FGS). Identifiers: MedGen C0220769, MONDO:0002010.

Submission:

Labcorp Genetics (formerly Invitae), Labcorp
Classification: Uncertain significance for FG syndrome. Last evaluated: 2023-09-25. Review status: criteria provided, single submitter. Criteria: Invitae Variant Classification Sherloc (09022015). Collection method: clinical testing. Allele origin: germline.
Comment: This sequence change replaces valine, which is neutral and non-polar, with leucine, which is neutral and non-polar, at codon 1547 of the MED12 protein (p.Val1547Leu). This variant is not present in population databases (gnomAD no frequency). This variant has not been reported in the literature in individuals affected with MED12-related conditions. Advanced modeling of protein sequence and biophysical properties (such as structural, functional, and spatial information, amino acid conservation, physicochemical variation, residue mobility, and thermodynamic stability) has been performed at Invitae for this missense variant, however the output from this modeling did not meet the statistical confidence thresholds required to predict the impact of this variant on MED12 protein function. In summary, the available evidence is currently insufficient to determine the role of this variant in disease. Therefore, it has been classified as a Variant of Uncertain Significance.

NM_005120.3(MED12):c.4639G>C (p.Val1547Leu)

Gene: MED12 (mediator complex subunit 12; plus strand). Cytogenetic location: Xq13.1.
Variant type: single nucleotide variant.
Coding change: c.4639G>C on transcript NM_005120.3 (MANE Select); coding-DNA position 4639, G replaced by C.
Protein change: p.Val1547Leu; replaces valine 1547 with leucine.
Molecular consequence: missense variant.
Genome position (GRCh38, 1-based): chrX:71,134,378, G>C. VCF-style: chrX-71134378-G-C. GRCh37 (hg19) VCF-style: chrX-70354228-G-C.
Other names: short protein forms V1547L.
Identifiers: ClinVar variation 2756417 (VCV002756417.3), dbSNP rs1352773471, ClinGen allele CA413531363.
Genomic context (GRCh38, chrX:71,134,378, plus strand): 5'-TCCCTGAGCCATCTGACTGACTTGTTGTGGCCCTGGCAGGTGGGGGGCATGTTTGACACG[G>C]TGCAGCGCAGCACCCAGCAGACCACGGAGTGGGCCATGCTCCTCCTGGAGATCATCATCA-3'
Protein context (NP_005111.2, residues 1537-1557): LNLVGGMFDT[Val1547Leu]QRSTQQTTEW